The following is an entry in ClinVar:

ClinVar aggregate classification (germline): Uncertain significance (1 of 4 stars; one submission).

Allele frequency attached by ClinVar (database versions not stated): gnomAD exomes 0.00001 and 0.00003; ExAC 0.00003.
gnomAD v4.1: 19 of 1,614,054 alleles (0.0012%); highest among the groups gnomAD compares: South Asian, 0.021%; no homozygotes.

Submission:

Labcorp Genetics (formerly Invitae), Labcorp
Classification: Uncertain significance. Last evaluated: 2022-10-04. Review status: criteria provided, single submitter. Criteria: Invitae Variant Classification Sherloc (09022015). Collection method: clinical testing. Allele origin: germline.
Comment: This sequence change replaces valine, which is neutral and non-polar, with glycine, which is neutral and non-polar, at codon 423 of the EMC1 protein (p.Val423Gly). In summary, the available evidence is currently insufficient to determine the role of this variant in disease. Therefore, it has been classified as a Variant of Uncertain Significance. Advanced modeling of protein sequence and biophysical properties (such as structural, functional, and spatial information, amino acid conservation, physicochemical variation, residue mobility, and thermodynamic stability) performed at Invitae indicates that this missense variant is expected to disrupt EMC1 protein function. ClinVar contains an entry for this variant (Variation ID: 1498986). This variant has not been reported in the literature in individuals affected with EMC1-related conditions. This variant is present in population databases (rs780185650, gnomAD 0.03%).

NM_015047.3(EMC1):c.1268T>G (p.Val423Gly)

Genes: EMC1 (ER membrane protein complex subunit 1; minus strand), EMC1-AS1 (EMC1 antisense RNA 1; plus strand). Cytogenetic location: 1p36.13.
Variant type: single nucleotide variant.
Coding change: c.1268T>G on transcript NM_015047.3 (MANE Select); coding-DNA position 1268, T replaced by G.
Protein change: p.Val423Gly; replaces valine 423 with glycine.
Molecular consequence: missense variant.
Genome position (GRCh38, 1-based): chr1:19,237,183, A>C on the plus strand (T>G on the coding strand, the complement: EMC1 is on the minus strand). VCF-style: chr1-19237183-A-C. GRCh37 (hg19) VCF-style: chr1-19563677-A-C.
Other names: c.1265T>G, p.Val422Gly (NM_001271427.2, NM_001375821.1); c.1268T>G, p.Val423Gly (NM_001271428.2, NM_001375820.1); c.1202T>G, p.Val401Gly (NM_001271429.2); short protein forms V422G, V423G, V401G.
Identifiers: ClinVar variation 1498986 (VCV001498986.8), dbSNP rs780185650, ClinGen allele CA652615.